The following is an entry in ClinVar:

ClinVar aggregate classification (germline): Uncertain significance (1 of 4 stars; one submission).

Submission:

Labcorp Genetics (formerly Invitae), Labcorp
Classification: Uncertain significance. Last evaluated: 2023-04-09. Review status: criteria provided, single submitter. Criteria: Invitae Variant Classification Sherloc (09022015). Collection method: clinical testing. Allele origin: germline.
Comment: In summary, the available evidence is currently insufficient to determine the role of this variant in disease. Therefore, it has been classified as a Variant of Uncertain Significance. Advanced modeling of protein sequence and biophysical properties (such as structural, functional, and spatial information, amino acid conservation, physicochemical variation, residue mobility, and thermodynamic stability) performed at Invitae indicates that this missense variant is not expected to disrupt STAG2 protein function. This variant has not been reported in the literature in individuals affected with STAG2-related conditions. This variant is not present in population databases (gnomAD no frequency). This sequence change replaces glutamic acid, which is acidic and polar, with alanine, which is neutral and non-polar, at codon 824 of the STAG2 protein (p.Glu824Ala).

NM_001042750.2(STAG2):c.2471A>C (p.Glu824Ala)

Gene: STAG2 (STAG2 cohesin complex component; plus strand). Cytogenetic location: Xq25.
Variant type: single nucleotide variant.
Coding change: c.2471A>C on transcript NM_001042750.2 (MANE Select); coding-DNA position 2471, A replaced by C.
Protein change: p.Glu824Ala; replaces glutamic acid 824 with alanine.
Molecular consequence: missense variant.
Genome position (GRCh38, 1-based): chrX:124,071,261, A>C. VCF-style: chrX-124071261-A-C. GRCh37 (hg19) VCF-style: chrX-123205111-A-C.
Other names: c.2471A>C, p.Glu824Ala (NM_001042749.2, NM_001042751.2, NM_001282418.2 and 13 more transcripts); short protein forms E824A.
Identifiers: ClinVar variation 2843041 (VCV002843041.3), dbSNP rs2522030784, ClinGen allele CA414276533.
Genomic context (GRCh38, chrX:124,071,261, plus strand): 5'-CAGGAGGGCGTGACATGTTAGAGCCATTAGTGTATACCCCTGATTCTTCATTGCAGTCTG[A>C]GTTGCTCAGCTTTATTTTGGATCATGTCTTCATTGAACAGGATGATGATAATAATAGTGC-3'
Protein context (NP_001036215.1, residues 814-834): VYTPDSSLQS[Glu824Ala]LLSFILDHVF